The following is an entry in ClinVar:

NM_032578.4(MYPN):c.2857C>T (p.His953Tyr)

Gene: MYPN (myopalladin; plus strand). Cytogenetic location: 10q21.3.
Variant type: single nucleotide variant.
Coding change: c.2857C>T on transcript NM_032578.4 (MANE Select); coding-DNA position 2857, C replaced by T.
Protein change: p.His953Tyr; replaces histidine 953 with tyrosine.
Molecular consequence: missense variant. On other transcripts: non-coding transcript variant (2).
Genome position (GRCh38, 1-based): chr10:68,189,058, C>T. VCF-style: chr10-68189058-C-T. GRCh37 (hg19) VCF-style: chr10-69948815-C-T.
Other names: c.2857C>T, p.His953Tyr (NM_001256267.2); c.1975C>T, p.His659Tyr (NM_001256268.2); c.2857C>T (NM_032578.2); short protein forms H953Y, H659Y.
Identifiers: ClinVar variation 574683 (VCV000574683.9), dbSNP rs1042480350, ClinGen allele CA208217168.

ClinVar aggregate classification (germline): Uncertain significance. Review status: criteria provided, multiple submitters, no conflicts (2 of 4 stars). 2 submissions from 2 submitters: Uncertain significance (2). Last evaluated 2023-02-13.

Conditions:
Cardiovascular phenotype. Identifiers: MedGen CN230736.
Dilated cardiomyopathy 1KK (CMD1KK). Identifiers: Orphanet 154, Orphanet 75249, MedGen C3714995, MONDO:0014100, OMIM 615248.

Allele frequency attached by ClinVar (database versions not stated): gnomAD 0.00001; TOPMed 0.00003.
gnomAD v4.1: 1 of 1,614,010 alleles (0.000062%); highest among the groups gnomAD compares: African/African-American, 0.0013%; no homozygotes.

Submissions (2):

Ambry Genetics
Classification: Uncertain significance for Cardiovascular phenotype. Last evaluated: 2023-02-13. Review status: criteria provided, single submitter. Criteria: Ambry Variant Classification Scheme 2023. Collection method: clinical testing. Allele origin: germline.
Comment: The p.H953Y variant (also known as c.2857C>T), located in coding exon 12 of the MYPN gene, results from a C to T substitution at nucleotide position 2857. The histidine at codon 953 is replaced by tyrosine, an amino acid with similar properties. This amino acid position is conserved. In addition, this alteration is predicted to be tolerated by in silico analysis. Since supporting evidence is limited at this time, the clinical significance of this alteration remains unclear.

Labcorp Genetics (formerly Invitae), Labcorp
Classification: Uncertain significance for Dilated cardiomyopathy 1KK. Last evaluated: 2021-02-18. Review status: criteria provided, single submitter. Criteria: Invitae Variant Classification Sherloc (09022015). Collection method: clinical testing. Allele origin: germline.
Comment: This sequence change replaces histidine with tyrosine at codon 953 of the MYPN protein (p.His953Tyr). The histidine residue is moderately conserved and there is a moderate physicochemical difference between histidine and tyrosine. This variant is not present in population databases (ExAC no frequency). This variant has not been reported in the literature in individuals with MYPN-related disease. Algorithms developed to predict the effect of missense changes on protein structure and function do not agree on the potential impact of this missense change (SIFT: "Deleterious"; PolyPhen-2: "Probably Damaging"; Align-GVGD: "Class C0"). Algorithms developed to predict the effect of sequence changes on RNA splicing suggest that this variant may create or strengthen a splice site, but this prediction has not been confirmed by published transcriptional studies. In summary, the available evidence is currently insufficient to determine the role of this variant in disease. Therefore, it has been classified as a Variant of Uncertain Significance.